The following is an entry in ClinVar:

ClinVar aggregate classification (germline): Likely pathogenic. Review status: criteria provided, multiple submitters, no conflicts (2 of 4 stars). 3 submissions from 3 submitters: Likely pathogenic (3). Last evaluated 2025-09-11.

Conditions:
LAMA3-related disorder. Also called: LAMA3-related disorders; LAMA3-related condition.

Allele frequency attached by ClinVar (database versions not stated): TOPMed below 0.00001; gnomAD exomes 0.00001.
gnomAD v4.1: 11 of 1,613,632 alleles (0.00068%); highest among the groups gnomAD compares: Non-Finnish European, 0.00093%; no homozygotes.

Submissions (3):

PreventionGenetics, part of Exact Sciences
Classification: Likely pathogenic for LAMA3-related condition. Last evaluated: 2025-09-11. Review status: criteria provided, single submitter. Criteria: ACMG Guidelines, 2015. Collection method: clinical testing. Allele origin: germline.
Comment: The LAMA3 c.4383+2T>G variant is predicted to disrupt the GT donor site and interfere with normal splicing. To our knowledge, this variant has not been reported in the literature or in a large population database (gnomAD), indicating this variant is rare. Variants that disrupt the consensus splice donor site in LAMA3 are expected to be pathogenic. This variant is interpreted as likely pathogenic.

Blueprint Genetics
Classification: Likely pathogenic for LAMA3-related disorders. Last evaluated: 2020-12-10. Review status: criteria provided, single submitter. Criteria: ACMG Guidelines, 2015. Collection method: clinical testing. Allele origin: germline. Affected: yes. Observed: 1 variant allele.

Labcorp Genetics (formerly Invitae), Labcorp
Classification: Likely pathogenic. Last evaluated: 2019-06-17. Review status: criteria provided, single submitter. Criteria: Invitae Variant Classification Sherloc (09022015). Collection method: clinical testing. Allele origin: germline.
Comment: In summary, the currently available evidence indicates that the variant is pathogenic, but additional data are needed to prove that conclusively. Therefore, this variant has been classified as Likely Pathogenic. Donor and acceptor splice site variants typically lead to a loss of protein function (PMID: 16199547), and loss-of-function variants in LAMA3 are known to be pathogenic (PMID: 10366601, 11810295, 12915477, 16473856, 17362460, 23869449, 28087116). Algorithms developed to predict the effect of sequence changes on RNA splicing suggest that this variant may disrupt the consensus splice site, but this prediction has not been confirmed by published transcriptional studies. This variant has not been reported in the literature in individuals with LAMA3-related conditions. This variant is not present in population databases (ExAC no frequency). This sequence change affects a donor splice site in intron 32 of the LAMA3 gene. It is expected to disrupt RNA splicing and likely results in an absent or disrupted protein product.

Literature cited by the submitters: PubMed 16199547 (cited by Labcorp Genetics (formerly Invitae), Labcorp); PubMed 10366601 (cited by Labcorp Genetics (formerly Invitae), Labcorp); PubMed 11810295 (cited by Labcorp Genetics (formerly Invitae), Labcorp); PubMed 12915477 (cited by Labcorp Genetics (formerly Invitae), Labcorp); PubMed 16473856 (cited by Labcorp Genetics (formerly Invitae), Labcorp); PubMed 17362460 (cited by Labcorp Genetics (formerly Invitae), Labcorp); PubMed 23869449 (cited by Labcorp Genetics (formerly Invitae), Labcorp); PubMed 28087116 (cited by Labcorp Genetics (formerly Invitae), Labcorp).

NM_198129.4(LAMA3):c.9210+2T>G

Gene: LAMA3 (laminin subunit alpha 3; plus strand). Cytogenetic location: 18q11.2.
Variant type: single nucleotide variant.
Coding change: c.9210+2T>G on transcript NM_198129.4 (MANE Select); the canonical splice donor site of the intron after coding-DNA position 9210, T replaced by G.
Molecular consequence: splice donor variant.
Genome position (GRCh38, 1-based): chr18:23,943,973, T>G. VCF-style: chr18-23943973-T-G. GRCh37 (hg19) VCF-style: chr18-21523937-T-G.
Other names: c.9042+2T>G (NM_001127717.4); c.4383+2T>G (NM_000227.6); c.4215+2T>G (NM_001127718.4).
Identifiers: ClinVar variation 952020 (VCV000952020.10), dbSNP rs940016371, ClinGen allele CA297097086.
Genomic context (GRCh38, chr18:23,943,973, plus strand): 5'-ATGGGAAAAAATTGAGGATCAAAAGCAAGGAGAAATGCAATGATGGGAAATGGCACACGG[T>G]AAGAGCTGGGGCTGTGTCAGTATCTCCAGTTGGTGTGGAATTCACTGTTGGAGTCGCTGA-3'